The following is an entry in ClinVar:

NM_005859.5(PURA):c.957G>A (p.Gly319=)

Gene: PURA (purine rich element binding protein A; plus strand). Cytogenetic location: 5q31.3.
Variant type: single nucleotide variant.
Coding change: c.957G>A on transcript NM_005859.5 (MANE Select); coding-DNA position 957, G replaced by A.
Protein change: p.Gly319=; no amino-acid change (glycine 319 retained).
Molecular consequence: synonymous variant.
Genome position (GRCh38, 1-based): chr5:140,115,138, G>A. VCF-style: chr5-140115138-G-A. GRCh37 (hg19) VCF-style: chr5-139494723-G-A.
Identifiers: ClinVar variation 2831323 (VCV002831323.3), dbSNP rs2479506516, ClinGen allele CA446831006.

ClinVar aggregate classification (germline): Uncertain significance (1 of 4 stars; one submission).

Conditions:
PURA-related severe neonatal hypotonia-seizures-encephalopathy syndrome (NEDRIHF). Also called: NEURODEVELOPMENTAL DISORDER WITH NEONATAL RESPIRATORY INSUFFICIENCY, HYPOTONIA, AND FEEDING DIFFICULTIES; PURA-Related Neurodevelopmental Disorders. Identifiers: Orphanet 438213, Orphanet 438216, MedGen C4015357, MONDO:1060108, OMIM 616158, MONDO:0018580.

Submission:

Labcorp Genetics (formerly Invitae), Labcorp
Classification: Uncertain significance for PURA-related severe neonatal hypotonia-seizures-encephalopathy syndrome. Last evaluated: 2023-01-23. Review status: criteria provided, single submitter. Criteria: Invitae Variant Classification Sherloc (09022015). Collection method: clinical testing. Allele origin: germline.
Comment: In summary, the available evidence is currently insufficient to determine the role of this variant in disease. Therefore, it has been classified as a Variant of Uncertain Significance. This variant has not been reported in the literature in individuals affected with PURA-related conditions. This variant is not present in population databases (gnomAD no frequency). This sequence change affects codon 319 of the PURA mRNA. It is a 'silent' change, meaning that it does not change the encoded amino acid sequence of the PURA protein.